The following is an entry in ClinVar:

ClinVar aggregate classification (germline): Benign. Review status: criteria provided, multiple submitters, no conflicts (2 of 4 stars). 2 submissions from 2 submitters: Benign (2). Last evaluated 2019-04-19.

Allele frequency attached by ClinVar (database versions not stated): gnomAD exomes 0.43954 and 0.45894; ExAC 0.45795; 1000 Genomes Project 0.46246; 1000 Genomes Project 30x 0.47564; gnomAD 0.50388 and 0.51237; TOPMed 0.50755; ESP Exome Variant Server 0.51130.
gnomAD v4.1: 719,785 of 1,613,662 alleles (45%); highest among the groups gnomAD compares: African/African-American, 64%; 164,538 homozygotes.

Submissions (2):

GeneDx
Classification: Benign. Last evaluated: 2019-04-19. Review status: criteria provided, single submitter. Criteria: GeneDx Variant Classification Process June 2021. Collection method: clinical testing. Allele origin: germline. Affected: yes.
Comment: This variant is associated with the following publications: (PMID: 30389748)

Breakthrough Genomics
Classification: Benign. Review status: criteria provided, single submitter. Criteria: ACMG Guidelines, 2015. Collection method: not provided. Allele origin: germline. Inheritance: Unknown mechanism. Affected: yes.

NM_001389445.1(CMKLR2):c.919A>G (p.Ile307Val)

Gene: CMKLR2 (chemerin chemokine-like receptor 2; minus strand). Cytogenetic location: 2q33.3.
Variant type: single nucleotide variant.
Coding change: c.919A>G on transcript NM_001389445.1 (MANE Select); coding-DNA position 919, A replaced by G.
Protein change: p.Ile307Val; replaces isoleucine 307 with valine.
Molecular consequence: missense variant.
Genome position (GRCh38, 1-based): chr2:206,176,329, T>C on the plus strand (A>G on the coding strand, the complement: CMKLR2 is on the minus strand). VCF-style: chr2-206176329-T-C. GRCh37 (hg19) VCF-style: chr2-207041053-T-C.
Other names: c.919A>G, p.Ile307Val (NM_001098199.2, NM_001261452.2, NM_001261453.2 and 3 more transcripts); short protein forms I307V.
Identifiers: ClinVar variation 1238518 (VCV001238518.4), dbSNP rs3732083, ClinGen allele CA2071376.